The following is an entry in ClinVar:

NM_181872.6(DMRT2):c.1265C>T (p.Ala422Val)

Gene: DMRT2 (doublesex and mab-3 related transcription factor 2; plus strand). Cytogenetic location: 9p24.3.
Variant type: single nucleotide variant.
Coding change: c.1265C>T on transcript NM_181872.6 (MANE Select); coding-DNA position 1265, C replaced by T.
Protein change: p.Ala422Val; replaces alanine 422 with valine.
Molecular consequence: missense variant. On other transcripts: 3 prime UTR variant (4), non-coding transcript variant (1).
Genome position (GRCh38, 1-based): chr9:1,056,852, C>T. VCF-style: chr9-1056852-C-T. GRCh37 (hg19) VCF-style: chr9-1056852-C-T.
Other names: c.*662C>T (NM_001130865.3, NM_001370533.1, NM_001387557.1); c.743C>T, p.Ala248Val (NM_001370532.1); c.1265C>T, p.Ala422Val (NM_001387558.1, NM_001387559.1); c.566C>T, p.Ala189Val (NM_001387560.1); c.*1078C>T (NM_006557.7); short protein forms A189V, A248V, A422V.
Identifiers: ClinVar variation 3043138 (VCV003043138.3), dbSNP rs143092642, ClinGen allele CA4962577.
Genomic context (GRCh38, chr9:1,056,852, plus strand): 5'-TGGTGCTGCCTCACACTCCTGAGATCCAGACCACGAGAAGTGACCTTCAGGGTCATCAGG[C>T]TGTCCCAGAGAGGTCCGCGTTCTCCCCACCCCGACGGAATTTCTCTCCCATTGTTGACAC-3'
Protein context (NP_870987.2, residues 412-432): TTRSDLQGHQ[Ala422Val]VPERSAFSPP

ClinVar aggregate classification (germline): Uncertain significance. Review status: criteria provided, single submitter (1 of 4 stars). 2 submissions from 2 submitters: Uncertain significance (1). 1 of the submissions does not count toward it. Last evaluated 2025-10-30.

Conditions:
DMRT2-related disorder. Also called: DMRT2-related condition.

Allele frequency attached by ClinVar (database versions not stated): gnomAD 0.00085; 1000 Genomes Project 0.00120; gnomAD exomes 0.00136; ESP Exome Variant Server 0.00077; TOPMed 0.00087; 1000 Genomes Project 30x 0.00109; ExAC 0.00120.
gnomAD v4.1: 2,102 of 1,614,154 alleles (0.13%); highest among the groups gnomAD compares: South Asian, 0.34%; 13 homozygotes.

Submissions (2):

Ambry Genetics
Classification: Uncertain significance. Last evaluated: 2025-10-30. Review status: criteria provided, single submitter. Criteria: Ambry Variant Classification Scheme 2023. Collection method: clinical testing. Allele origin: germline.

PreventionGenetics, part of Exact Sciences
Classification: Likely benign for DMRT2-related condition. Last evaluated: 2022-02-22. Review status: no assertion criteria provided. Collection method: clinical testing. Allele origin: germline. Not counted in ClinVar's aggregate classification.
Comment: This variant is classified as likely benign based on ACMG/AMP sequence variant interpretation guidelines (Richards et al. 2015 PMID: 25741868, with internal and published modifications).